The following is an entry in ClinVar:

ClinVar aggregate classification (germline): Uncertain significance (1 of 4 stars; one submission).

Conditions:
Early-onset myopathy with fatal cardiomyopathy (CMYO5). Also called: CONGENITAL MYOPATHY 5 WITH CARDIOMYOPATHY; Salih Myopathy. Identifiers: Orphanet 289377, MedGen C2673677, MONDO:0012714, OMIM 611705. Disease mechanism: loss of function.

gnomAD v4.1: 4 of 1,613,016 alleles (0.00025%); highest among the groups gnomAD compares: Non-Finnish European, 0.00017%; no homozygotes.

Submission:

3billion
Classification: Uncertain significance for Early-onset myopathy with fatal cardiomyopathy. Last evaluated: 2025-07-03. Review status: criteria provided, single submitter. Criteria: ACMG Guidelines, 2015. Collection method: clinical testing. Allele origin: germline. Affected: yes.
Comment: The variant is observed at an extremely low frequency in the gnomAD v4.1.0 dataset (total allele frequency: <0.001%). Predicted Consequence/Location: Missense variant. The majority of the known disease-causing variants of this gene are variants expected to result in premature termination of the protein. In silico tools predict the variant to alter splicing and produce an abnormal transcript [SpliceAI: 0.61 (>=0.2, moderate evidence for spliceogenicity)]. Therefore, this variant is classified as VUS according to the recommendation of ACMG/AMP guideline.

NM_001267550.2(TTN):c.23969A>G (p.Lys7990Arg)

Gene: TTN (titin; minus strand). Cytogenetic location: 2q31.2.
Variant type: single nucleotide variant.
Coding change: c.23969A>G on transcript NM_001267550.2 (MANE Select); coding-DNA position 23969, A replaced by G.
Protein change: p.Lys7990Arg; replaces lysine 7990 with arginine.
Molecular consequence: missense variant. On other transcripts: intron variant (3).
Genome position (GRCh38, 1-based): chr2:178,719,421, T>C on the plus strand (A>G on the coding strand, the complement: TTN is on the minus strand). VCF-style: chr2-178719421-T-C. GRCh37 (hg19) VCF-style: chr2-179584148-T-C.
Other names: c.23018A>G, p.Lys7673Arg (NM_001256850.1); c.20237A>G, p.Lys6746Arg (NM_133378.4); c.13282+18661A>G (NM_003319.4); c.13858+18661A>G (NM_133437.4); c.13657+18661A>G (NM_133432.3); short protein forms K6746R, K7673R, K7990R.
Identifiers: ClinVar variation 4856150 (VCV004856150.1).